The following is an entry in ClinVar:

ClinVar aggregate classification (germline): Uncertain significance (1 of 4 stars; one submission).

Conditions:
Familial thoracic aortic aneurysm and aortic dissection (TAAD). Also called: Thoracic aortic aneurysms and dissections. Identifiers: Orphanet 91387, MedGen C4707243, MONDO:0019625.

gnomAD v4.1: 1 of 1,613,912 alleles (0.000062%); highest among the groups gnomAD compares: Non-Finnish European, 0.000085%; no homozygotes.

Submission:

Color Diagnostics, LLC DBA Color Health
Classification: Uncertain significance for Familial thoracic aortic aneurysm and aortic dissection. Last evaluated: 2023-08-02. Review status: criteria provided, single submitter. Criteria: ACMG Guidelines, 2015. Collection method: clinical testing. Allele origin: germline.
Comment: This missense variant replaces glutamic acid with glutamine at codon 931 of the COL3A1 protein. Computational prediction is inconclusive regarding the impact of this variant on protein structure and function (internally defined REVEL score threshold 0.5 < inconclusive < 0.7, PMID: 27666373). To our knowledge, functional studies have not been reported for this variant. This variant has not been reported in individuals affected with COL3A1-related disorders in the literature. This variant has not been identified in the general population by the Genome Aggregation Database (gnomAD). The available evidence is insufficient to determine the role of this variant in disease conclusively. Therefore, this variant is classified as a Variant of Uncertain Significance.

NM_000090.4(COL3A1):c.2791G>C (p.Glu931Gln)

Gene: COL3A1 (collagen type III alpha 1 chain; plus strand). Cytogenetic location: 2q32.2.
Variant type: single nucleotide variant.
Coding change: c.2791G>C on transcript NM_000090.4 (MANE Select); coding-DNA position 2791, G replaced by C.
Protein change: p.Glu931Gln; replaces glutamic acid 931 with glutamine.
Molecular consequence: missense variant.
Genome position (GRCh38, 1-based): chr2:189,004,111, G>C. VCF-style: chr2-189004111-G-C. GRCh37 (hg19) VCF-style: chr2-189868837-G-C.
Other names: short protein forms E931Q.
Identifiers: ClinVar variation 2775127 (VCV002775127.2), dbSNP rs1553509193, ClinGen allele CA349844191.